The following is an entry in ClinVar:

ClinVar aggregate classification (germline): Uncertain significance (1 of 4 stars; one submission).

Submission:

Labcorp Genetics (formerly Invitae), Labcorp
Classification: Uncertain significance. Last evaluated: 2025-01-08. Review status: criteria provided, single submitter. Criteria: Invitae Variant Classification Sherloc (09022015). Collection method: clinical testing. Allele origin: germline.
Comment: This variant, c.1293_1295dup, results in the insertion of 1 amino acid(s) of the PACS2 protein (p.Arg432dup), but otherwise preserves the integrity of the reading frame. This variant is present in population databases (no rsID available, gnomAD 0.004%). This variant has not been reported in the literature in individuals affected with PACS2-related conditions. ClinVar contains an entry for this variant (Variation ID: 1462563). Experimental studies and prediction algorithms are not available or were not evaluated, and the functional significance of this variant is currently unknown. In summary, the available evidence is currently insufficient to determine the role of this variant in disease. Therefore, it has been classified as a Variant of Uncertain Significance.

NM_001100913.3(PACS2):c.1293_1295dup (p.Arg432dup)

Gene: PACS2 (phosphofurin acidic cluster sorting protein 2; plus strand). Cytogenetic location: 14q32.33.
Variant type: Duplication.
Coding change: c.1293_1295dup on transcript NM_001100913.3 (MANE Select); coding-DNA positions 1293 to 1295, 3 bases duplicated (ACG; older notation c.1293_1295dupACG).
Protein change: p.Arg432dup; duplicates arginine 432.
Molecular consequence: inframe insertion.
Genome position (GRCh38, 1-based): chr14:105,381,938-105,381,940, ACG duplicated; duplicating any 3 consecutive bases within chr14:105,381,936-105,381,940 gives the same sequence; the c. name uses the placement nearest the transcript's 3' end. VCF-style (leftmost placement, unchanged base first): chr14-105381935-C-CCGA. GRCh37 (hg19) VCF-style: chr14-105848272-C-CCGA.
Other names: c.1068_1070dup, p.Arg357dup (NM_001243127.3); c.1293_1295dup, p.Arg432dup (NM_015197.4).
Identifiers: ClinVar variation 1462563 (VCV001462563.6), dbSNP rs1555412135, ClinGen allele CA616254542.